The following is an entry in ClinVar:

ClinVar aggregate classification (germline): Conflicting classifications of pathogenicity. Review status: criteria provided, conflicting classifications (1 of 4 stars). 2 submissions from 2 submitters: Uncertain significance (1); Likely benign (1). Last evaluated 2024-04-26.

Allele frequency attached by ClinVar (database versions not stated): TOPMed below 0.00001; ExAC 0.00001.

Submissions (2):

Ambry Genetics
Classification: Likely benign. Last evaluated: 2024-04-26. Review status: criteria provided, single submitter. Criteria: Ambry Variant Classification Scheme 2023. Collection method: clinical testing. Allele origin: germline.

Labcorp Genetics (formerly Invitae), Labcorp
Classification: Uncertain significance. Last evaluated: 2024-01-08. Review status: criteria provided, single submitter. Criteria: Invitae Variant Classification Sherloc (09022015). Collection method: clinical testing. Allele origin: germline.
Comment: This sequence change replaces leucine, which is neutral and non-polar, with valine, which is neutral and non-polar, at codon 415 of the A2ML1 protein (p.Leu415Val). The frequency data for this variant in the population databases is considered unreliable, as metrics indicate poor data quality at this position in the gnomAD database. This variant has not been reported in the literature in individuals affected with A2ML1-related conditions. ClinVar contains an entry for this variant (Variation ID: 2199967). An algorithm developed to predict the effect of missense changes on protein structure and function (PolyPhen-2) suggests that this variant is likely to be disruptive. In summary, the available evidence is currently insufficient to determine the role of this variant in disease. Therefore, it has been classified as a Variant of Uncertain Significance.

NM_144670.6(A2ML1):c.1243C>G (p.Leu415Val)

Gene: A2ML1 (alpha-2-macroglobulin like 1; plus strand). Cytogenetic location: 12p13.31.
Variant type: single nucleotide variant.
Coding change: c.1243C>G on transcript NM_144670.6 (MANE Select); coding-DNA position 1243, C replaced by G.
Protein change: p.Leu415Val; replaces leucine 415 with valine.
Molecular consequence: missense variant.
Genome position (GRCh38, 1-based): chr12:8,841,531, C>G. VCF-style: chr12-8841531-C-G. GRCh37 (hg19) VCF-style: chr12-8994127-C-G.
Other names: c.1243C>G (NM_144670.3); short protein forms L415V.
Identifiers: ClinVar variation 2199967 (VCV002199967.5), dbSNP rs746037337, ClinGen allele CA6435574.